The following is an entry in ClinVar:

ClinVar aggregate classification (germline): Uncertain significance (1 of 4 stars; one submission).

Conditions:
Dyskeratosis congenita, autosomal dominant 2. Identifiers: MedGen C3151443, MONDO:0013521, OMIM 613989.
Idiopathic Pulmonary Fibrosis. Also called: Idiopathic fibrosing alveolitis, chronic form; idiopathic fibrosing alveolitis. Identifiers: Orphanet 2032, MedGen C1800706, MeSH D054990, MONDO:0800504.

Submission:

Labcorp Genetics (formerly Invitae), Labcorp
Classification: Uncertain significance for Dyskeratosis congenita, autosomal dominant 2; Idiopathic Pulmonary Fibrosis. Last evaluated: 2021-07-09. Review status: criteria provided, single submitter. Criteria: Invitae Variant Classification Sherloc (09022015). Collection method: clinical testing. Allele origin: germline.
Comment: Algorithms developed to predict the effect of missense changes on protein structure and function output the following: SIFT: "Tolerated"; PolyPhen-2: "Benign"; Align-GVGD: "Class C0". The alanine amino acid residue is found in multiple mammalian species, suggesting that this missense change does not adversely affect protein function. These predictions have not been confirmed by published functional studies and their clinical significance is uncertain. In summary, the available evidence is currently insufficient to determine the role of this variant in disease. Therefore, it has been classified as a Variant of Uncertain Significance. This sequence change replaces threonine with alanine at codon 375 of the TERT protein (p.Thr375Ala). The threonine residue is weakly conserved and there is a small physicochemical difference between threonine and alanine. This variant is not present in population databases (ExAC no frequency). This variant has not been reported in the literature in individuals with TERT-related conditions.

NM_198253.3(TERT):c.1123A>G (p.Thr375Ala)

Gene: TERT (telomerase reverse transcriptase; minus strand). Cytogenetic location: 5p15.33.
Variant type: single nucleotide variant.
Coding change: c.1123A>G on transcript NM_198253.3 (MANE Select); coding-DNA position 1123, A replaced by G.
Protein change: p.Thr375Ala; replaces threonine 375 with alanine.
Molecular consequence: missense variant. On other transcripts: non-coding transcript variant (2).
Genome position (GRCh38, 1-based): chr5:1,293,763, T>C on the plus strand (A>G on the coding strand, the complement: TERT is on the minus strand). VCF-style: chr5-1293763-T-C. GRCh37 (hg19) VCF-style: chr5-1293878-T-C.
Other names: c.1123A>G, p.Thr375Ala (NM_001193376.3); short protein forms T375A.
Identifiers: ClinVar variation 857541 (VCV000857541.48), dbSNP rs1751161082, ClinGen allele CA359055431.